The following is an entry in ClinVar:

NM_033100.4(CDHR1):c.167C>A (p.Thr56Asn)

Gene: CDHR1 (cadherin related family member 1; plus strand). Cytogenetic location: 10q23.1.
Variant type: single nucleotide variant.
Coding change: c.167C>A on transcript NM_033100.4 (MANE Select); coding-DNA position 167, C replaced by A.
Protein change: p.Thr56Asn; replaces threonine 56 with asparagine.
Molecular consequence: missense variant.
Genome position (GRCh38, 1-based): chr10:84,196,520, C>A. VCF-style: chr10-84196520-C-A. GRCh37 (hg19) VCF-style: chr10-85956276-C-A.
Other names: c.167C>A, p.Thr56Asn (NM_001171971.3); short protein forms T56N.
Identifiers: ClinVar variation 1497789 (VCV001497789.7), dbSNP rs1326642982, ClinGen allele CA377370218.

ClinVar aggregate classification (germline): Uncertain significance. Review status: criteria provided, multiple submitters, no conflicts (2 of 4 stars). 2 submissions from 2 submitters: Uncertain significance (2). Last evaluated 2021-05-06.

gnomAD v4.1: 5 of 1,614,230 alleles (0.00031%); highest among the groups gnomAD compares: African/African-American, 0.0013%; no homozygotes.

Submissions (2):

Blueprint Genetics
Classification: Uncertain significance. Last evaluated: 2021-05-06. Review status: criteria provided, single submitter. Criteria: ACMG Guidelines, 2015. Collection method: clinical testing. Allele origin: germline.

Labcorp Genetics (formerly Invitae), Labcorp
Classification: Uncertain significance. Last evaluated: 2020-12-26. Review status: criteria provided, single submitter. Criteria: Invitae Variant Classification Sherloc (09022015). Collection method: clinical testing. Allele origin: germline.
Comment: In summary, the available evidence is currently insufficient to determine the role of this variant in disease. Therefore, it has been classified as a Variant of Uncertain Significance. Advanced modeling of protein sequence and biophysical properties (such as structural, functional, and spatial information, amino acid conservation, physicochemical variation, residue mobility, and thermodynamic stability) performed at Invitae indicates that this missense variant is not expected to disrupt CDHR1 protein function. This variant has not been reported in the literature in individuals with CDHR1-related conditions. This variant is not present in population databases (ExAC no frequency). This sequence change replaces threonine with asparagine at codon 56 of the CDHR1 protein (p.Thr56Asn). The threonine residue is highly conserved and there is a small physicochemical difference between threonine and asparagine.